The following is an entry in ClinVar:

ClinVar aggregate classification (germline): Uncertain significance (1 of 4 stars; one submission).

Conditions:
Dyskeratosis congenita. Identifiers: Orphanet 1775, MedGen C0265965, MONDO:0015780.

Submission:

Labcorp Genetics (formerly Invitae), Labcorp
Classification: Uncertain significance for Dyskeratosis congenita. Last evaluated: 2022-05-12. Review status: criteria provided, single submitter. Criteria: Invitae Variant Classification Sherloc (09022015). Collection method: clinical testing. Allele origin: germline.
Comment: Algorithms developed to predict the effect of missense changes on protein structure and function are either unavailable or do not agree on the potential impact of this missense change (SIFT: "Deleterious"; PolyPhen-2: "Probably Damaging"; Align-GVGD: "Class C0"). In summary, the available evidence is currently insufficient to determine the role of this variant in disease. Therefore, it has been classified as a Variant of Uncertain Significance. This variant has not been reported in the literature in individuals affected with CTC1-related conditions. This sequence change replaces proline, which is neutral and non-polar, with serine, which is neutral and polar, at codon 195 of the CTC1 protein (p.Pro195Ser). This variant is not present in population databases (gnomAD no frequency).

NM_025099.6(CTC1):c.583C>T (p.Pro195Ser)

Gene: CTC1 (CST telomere replication complex component 1; minus strand). Cytogenetic location: 17p13.1.
Variant type: single nucleotide variant.
Coding change: c.583C>T on transcript NM_025099.6 (MANE Select); coding-DNA position 583, C replaced by T.
Protein change: p.Pro195Ser; replaces proline 195 with serine.
Molecular consequence: missense variant. On other transcripts: non-coding transcript variant (1).
Genome position (GRCh38, 1-based): chr17:8,238,095, G>A on the plus strand (C>T on the coding strand, the complement: CTC1 is on the minus strand). VCF-style: chr17-8238095-G-A. GRCh37 (hg19) VCF-style: chr17-8141413-G-A.
Other names: short protein forms P195S.
Identifiers: ClinVar variation 1427224 (VCV001427224.8), dbSNP rs2151530350, ClinGen allele CA397992515.
Genomic context (GRCh38, chr17:8,238,095, plus strand): 5'-GCCTGAGCAGGCAGGAAGCACTCTCTGGGTAGAGGACAGGGATAGGCGTGACGGGGCCAG[G>A]ACTGATGGTCAAAGGAAACACTGGCACAGGGGCATCCCACAGCTCCAAGTGCCCTTCCCC-3'
Protein context (NP_079375.3, residues 185-205): PVPVFPLTIS[Pro195Ser]GPVTPIPVLY